The following is an entry in ClinVar:

ClinVar aggregate classification (germline): Uncertain significance (1 of 4 stars; one submission).

gnomAD v4.1: 1 of 1,613,454 alleles (0.000062%); highest among the groups gnomAD compares: Non-Finnish European, 0.000085%; no homozygotes.

Submission:

Labcorp Genetics (formerly Invitae), Labcorp
Classification: Uncertain significance. Last evaluated: 2022-07-20. Review status: criteria provided, single submitter. Criteria: Invitae Variant Classification Sherloc (09022015). Collection method: clinical testing. Allele origin: germline.
Comment: This sequence change replaces glycine, which is neutral and non-polar, with cysteine, which is neutral and slightly polar, at codon 147 of the TGDS protein (p.Gly147Cys). In summary, the available evidence is currently insufficient to determine the role of this variant in disease. Therefore, it has been classified as a Variant of Uncertain Significance. Algorithms developed to predict the effect of missense changes on protein structure and function are either unavailable or do not agree on the potential impact of this missense change (SIFT: "Deleterious"; PolyPhen-2: "Probably Damaging"; Align-GVGD: "Class C0"). This variant has not been reported in the literature in individuals affected with TGDS-related conditions. This variant is not present in population databases (gnomAD no frequency).

NM_014305.4(TGDS):c.439G>T (p.Gly147Cys)

Gene: TGDS (TDP-glucose 4,6-dehydratase; minus strand). Cytogenetic location: 13q32.1.
Variant type: single nucleotide variant.
Coding change: c.439G>T on transcript NM_014305.4 (MANE Select); coding-DNA position 439, G replaced by T.
Protein change: p.Gly147Cys; replaces glycine 147 with cysteine.
Molecular consequence: missense variant. On other transcripts: non-coding transcript variant (2).
Genome position (GRCh38, 1-based): chr13:94,583,111, C>A on the plus strand (G>T on the coding strand, the complement: TGDS is on the minus strand). VCF-style: chr13-94583111-C-A. GRCh37 (hg19) VCF-style: chr13-95235365-C-A.
Other names: c.343G>T, p.Gly115Cys (NM_001304430.2); short protein forms G115C, G147C.
Identifiers: ClinVar variation 1962614 (VCV001962614.5), dbSNP rs2501974986, ClinGen allele CA388395640.